The following is an entry in ClinVar:

ClinVar aggregate classification (germline): Likely pathogenic. Review status: reviewed by expert panel (3 of 4 stars). 6 submissions from 6 submitters: Likely pathogenic (1). 5 of the submissions do not count toward it. Last evaluated 2024-09-17.

Conditions:
Glycogen storage disease, type II (IOPD). Also called: Glucosidase acid-1,4-alpha deficiency; Pompe Disease; Glycogen storage disease type 2; Acid maltase deficiency disease; Aglucosidase alfa; Deficiency of alpha-glucosidase. Identifiers: Orphanet 365, MedGen C0017921, MONDO:0009290, OMIM 232300.

Allele frequency attached by ClinVar (database versions not stated): gnomAD exomes below 0.00001.
gnomAD v4.1: 2 of 1,613,732 alleles (0.00012%); highest among the groups gnomAD compares: Non-Finnish European, 0.00017%; no homozygotes.

Submissions (6):

ClinGen Lysosomal Storage Disorder Variant Curation Expert Panel
Classification: Likely pathogenic for Glycogen storage disease, type II. Last evaluated: 2024-09-17. Review status: reviewed by expert panel. Criteria: clingen_lsd_acmg_specifications_v2-1. Collection method: curation. Allele origin: germline. Inheritance: Autosomal recessive inheritance.
Comment: The NM_000152.5:c.1004G>A variant in GAA is a missense variant predicted to cause substitution of glycine by glutamic acid at amino acid #335 (p.Gly335Glu). At least two (2) patients with this variant had documented GAA deficiency with <10% of normal mean control level of GAA activity in leukocytes, lymphocytes, or muscle samples and were described as having infantile-onset Pompe disease (PMIDs: 30214072, 32711049). It has been reported in two patients described as having LOPD but without documented GAA deficiency (PMID: 36105079, 27649523). It has been reported in one patient with a positive newborn screen for Pompe disease with documented GAA enzyme deficiency in dried blood spot, but no clinical information is available (internal data, Duke Molecular Genetics Laboratory) (PP4_moderate). This variant has been reported in compound heterozygosity (phase unconfirmed) with a second variant in GAA classified as likely pathogenic by the ClinGen LD VCEP (c.1841C>A; PMID: 30214072). It has also been reported in compound heterozygosity in two patients with a variant in GAA classified as pathogenic by the LD VCEP (c.-32-13T>G; PMID: 27649523). Additionally, it has been reported in compound heterozygosity in two separate patients with two variants classified as likely pathogenic or pathogenic in ClinVar, but have not been reviewed by the ClinGen LD VCEP (c.797C>T and c.1634C>T; PMIDs: 32711049 and 36105079 respectively) (PM3_supporting). The highest population minor allele frequency in gnomAD v4.0. is 0.000001695 (2/118,0038 alleles) in the European population, which is lower than the ClinGen Lysosomal Diseases VCEP’s threshold for PM2_Supporting (<0.001), meeting this criterion (PM2_Supporting). The computational predictor REVEL gives a score of 0.897 which is above the threshold of 0.7, evidence that correlates with impact to GAA function (PP3). Another missense variant, c.1003G>A, p.Gly335Arg (ClinVar Variation ID: 972790, PMIDs: 31510962, 26497565, 31193175, 24685124) in the same codon has been classified as likely pathogenic for Pompe disease by the ClinGen Lysosomal Diseases VCEP. Data from p.Gly335Arg was not used in the classification of p.Gly335Glu to avoid a circular logic (PM5_Supporting). This variant results in 0.2% GAA activity (and is abnormally synthesized and/or processed) when expressed in COS cells, (and was classified as Class B (potentially less severe) by Kroos et al, 2012 (PMID 22644586), meeting the ClinGen LD VCEP specifications for PS3_moderate. There is a ClinVar entry for this variant (Variation ID: 180142, 1-star review status) with 4 submitters classifying the variant as pathogenic (3) or likely pathogenic (1). In summary, this variant meets the criteria to be classified as likely pathogenic for Pompe disease based on the ACMG/AMP criteria applied, as specified by the ClinGen Lysosomal Diseases Variant Curation Expert panel (specifications Version 2.0): PP4_moderate, PS3_moderate, PM3_supporting, PM5_supporting, PM2_supporting, PP3 (Classification approved by the ClinGen Variant Curation Expert Panel on September 17, 2024)

Genomenon, Inc
Classification: Likely pathogenic for Glycogen storage disease, type II. Last evaluated: 2026-07-01. Review status: criteria provided, single submitter. Criteria: Genomenon Sequence Variant Interpretation Standards - Updated. Collection method: curation. Allele origin: germline. Affected: yes. Not counted in ClinVar's aggregate classification.
Comment: GAA p.Gly335Glu (c.1004G>A) is a missense variant that changes the amino acid at codon 335 from Glycine to Glutamic acid. This variant has been observed in at least one proband with a GAA-related disorder in the compound heterozygous and/or homozygous state (PMID:40952111;36105079;32711049;30214072;27649523). At least one functional study has demonstrated a substantial alteration in protein function relative to the wild-type (PMID:22644586). It is absent or not present at a significant frequency in gnomAD. In silico models predict that this variant is possibly or probably damaging. In conclusion, we classify GAA p.Gly335Glu (c.1004G>A) as a likely pathogenic variant.

Labcorp Genetics (formerly Invitae), Labcorp
Classification: Pathogenic for Glycogen storage disease, type II. Last evaluated: 2025-11-12. Review status: criteria provided, single submitter. Criteria: Invitae Variant Classification Sherloc (09022015). Collection method: clinical testing. Allele origin: germline. Not counted in ClinVar's aggregate classification.
Comment: This sequence change replaces glycine, which is neutral and non-polar, with glutamic acid, which is acidic and polar, at codon 335 of the GAA protein (p.Gly335Glu). This variant is not present in population databases (gnomAD no frequency). This missense change has been observed in individual(s) with Pompe disease (PMID: 32711049). ClinVar contains an entry for this variant (Variation ID: 180142). Invitae Evidence Modeling of protein sequence and biophysical properties (such as structural, functional, and spatial information, amino acid conservation, physicochemical variation, residue mobility, and thermodynamic stability) indicates that this missense variant is expected to disrupt GAA protein function with a positive predictive value of 95%. Experimental studies have shown that this missense change affects GAA function (PMID: 22644586). Algorithms developed to predict the effect of sequence changes on RNA splicing suggest that this variant may create or strengthen a splice site. This variant disrupts the p.Gly335 amino acid residue in GAA. Other variant(s) that disrupt this residue have been determined to be pathogenic (PMID: 22644586, 31510962). This suggests that this residue is clinically significant, and that variants that disrupt this residue are likely to be disease-causing. For these reasons, this variant has been classified as Pathogenic.

Clinical Genetics DNA and cytogenetics Diagnostics Lab, Erasmus MC, Erasmus Medical Center
Classification: Pathogenic. Review status: no assertion criteria provided. Collection method: clinical testing. Allele origin: germline. Affected: yes. Study: VKGL Data-share Consensus. Not counted in ClinVar's aggregate classification.

Genome Diagnostics Laboratory, Amsterdam University Medical Center
Classification: Likely pathogenic. Review status: no assertion criteria provided. Collection method: clinical testing. Allele origin: germline. Affected: yes. Study: VKGL Data-share Consensus. Not counted in ClinVar's aggregate classification.

Medical Genetic Department, Shiraz University Of Medical Science
Classification: Pathogenic for Glycogen storage disease, type II. Review status: no assertion criteria provided. Collection method: clinical testing. Allele origin: germline. Affected: no. Not counted in ClinVar's aggregate classification.

Literature cited by the submitters: PubMed 40952111 (cited by Genomenon, Inc); PubMed 36105079 (cited by Genomenon, Inc); PubMed 32711049 (cited by Genomenon, Inc and Labcorp Genetics (formerly Invitae), Labcorp); PubMed 30214072 (cited by Genomenon, Inc); PubMed 27649523 (cited by Genomenon, Inc); PubMed 22644586 (cited by Genomenon, Inc and Labcorp Genetics (formerly Invitae), Labcorp); PubMed 31510962 (cited by Labcorp Genetics (formerly Invitae), Labcorp).

NM_000152.5(GAA):c.1004G>A (p.Gly335Glu)

Gene: GAA (alpha glucosidase; plus strand). Cytogenetic location: 17q25.3.
Variant type: single nucleotide variant.
Coding change: c.1004G>A on transcript NM_000152.5 (MANE Select); coding-DNA position 1004, G replaced by A.
Protein change: p.Gly335Glu; replaces glycine 335 with glutamic acid.
Molecular consequence: missense variant.
Genome position (GRCh38, 1-based): chr17:80,108,338, G>A. VCF-style: chr17-80108338-G-A. GRCh37 (hg19) VCF-style: chr17-78082137-G-A.
Other names: NM_000152.5(GAA):c.1004G>A; c.1004G>A, p.Gly335Glu (NM_001079803.3, NM_001079804.3); c.1004G>A (LRG_673t1); short protein forms G335E.
Identifiers: ClinVar variation 180142 (VCV000180142.10), dbSNP rs730880022, ClinGen allele CA273683.
Genomic context (GRCh38, chr17:80,108,338, plus strand): 5'-CTTCCCTTCCAGATGTGGTCCTGCAGCCGAGCCCTGCCCTTAGCTGGAGGTCGACAGGTG[G>A]GATCCTGGATGTCTACATCTTCCTGGGCCCAGAGCCCAAGAGCGTGGTGCAGCAGTACCT-3'
Protein context (NP_000143.2, residues 325-345): SPALSWRSTG[Gly335Glu]ILDVYIFLGP